The following is an entry in ClinVar:

NM_000548.5(TSC2):c.566G>A (p.Cys189Tyr)

Gene: TSC2 (TSC complex subunit 2; plus strand). Cytogenetic location: 16p13.3.
Variant type: single nucleotide variant.
Coding change: c.566G>A on transcript NM_000548.5 (MANE Select); coding-DNA position 566, G replaced by A.
Protein change: p.Cys189Tyr; replaces cysteine 189 with tyrosine.
Molecular consequence: missense variant. On other transcripts: intron variant (1).
Genome position (GRCh38, 1-based): chr16:2,055,486, G>A. VCF-style: chr16-2055486-G-A. GRCh37 (hg19) VCF-style: chr16-2105487-G-A.
Other names: c.566G>A, p.Cys189Tyr (NM_001114382.3, NM_001363528.2, NM_001370404.1 and 3 more transcripts); c.455G>A, p.Cys152Tyr (NM_001318827.2); c.419G>A, p.Cys140Tyr (NM_001318829.2); c.599G>A, p.Cys200Tyr (NM_001318832.2); c.-1-710G>A (NM_001318831.2); short protein forms C189Y, C200Y, C140Y, C152Y.
Identifiers: ClinVar variation 238088 (VCV000238088.20), dbSNP rs764218079, ClinGen allele CA055403.

ClinVar aggregate classification (germline): Conflicting classifications of pathogenicity. Review status: criteria provided, conflicting classifications (1 of 4 stars). 4 submissions from 4 submitters: Uncertain significance (2); Likely benign (2). Last evaluated 2025-06-09.

Conditions:
Tuberous sclerosis syndrome (TSC). Also called: Tuberous Sclerosis Complex; Tuberous sclerosis. Identifiers: Orphanet 805, MedGen C0041341, MONDO:0001734.
Tuberous sclerosis 2 (TSC2). Identifiers: Orphanet 805, MedGen C1860707, MONDO:0013199, OMIM 613254.
Hereditary cancer-predisposing syndrome. Also called: Tumor predisposition; Hereditary Cancer Syndrome; Hereditary neoplastic syndrome; Neoplastic Syndromes, Hereditary. Identifiers: Orphanet 140162, MedGen C0027672, MeSH D009386, MONDO:0015356.

Allele frequency attached by ClinVar (database versions not stated): gnomAD exomes below 0.00001 and 0.00001; TOPMed below 0.00001; ExAC 0.00001; gnomAD 0.00001.
gnomAD v4.1: 4 of 1,614,094 alleles (0.00025%); highest among the groups gnomAD compares: African/African-American, 0.0013%; no homozygotes.

Submissions (4):

Color Diagnostics, LLC DBA Color Health
Classification: Uncertain significance for Tuberous sclerosis syndrome. Last evaluated: 2025-06-09. Review status: criteria provided, single submitter. Criteria: ACMG Guidelines, 2015. Collection method: clinical testing. Allele origin: germline.
Comment: This missense variant replaces cysteine with tyrosine at codon 189 of the TSC2 protein. Computational prediction suggests that this variant may have deleterious impact on protein structure and function. To our knowledge, functional studies have not been reported for this variant. This variant has not been reported in individuals affected with TSC2-related disorders in the literature. This variant has been identified in 2/251496 chromosomes in the general population by the Genome Aggregation Database (gnomAD). The available evidence is insufficient to determine the role of this variant in disease conclusively. Therefore, this variant is classified as a Variant of Uncertain Significance.

Labcorp Genetics (formerly Invitae), Labcorp
Classification: Likely benign for Tuberous sclerosis 2. Last evaluated: 2025-02-16. Review status: criteria provided, single submitter. Criteria: Invitae Variant Classification Sherloc (09022015). Collection method: clinical testing. Allele origin: germline.

Ambry Genetics
Classification: Uncertain significance for Hereditary cancer-predisposing syndrome. Last evaluated: 2024-07-05. Review status: criteria provided, single submitter. Criteria: Ambry Variant Classification Scheme 2023. Collection method: clinical testing. Allele origin: germline.
Comment: The p.C189Y variant (also known as c.566G>A), located in coding exon 5 of the TSC2 gene, results from a G to A substitution at nucleotide position 566. The cysteine at codon 189 is replaced by tyrosine, an amino acid with highly dissimilar properties. This amino acid position is highly conserved in available vertebrate species. In addition, this alteration is predicted to be deleterious by in silico analysis. Based on the available evidence, the clinical significance of this variant remains unclear.

Genome-Nilou Lab
Classification: Likely benign for Tuberous sclerosis 2. Last evaluated: 2021-11-07. Review status: criteria provided, single submitter. Criteria: ACMG Guidelines, 2015. Collection method: clinical testing. Allele origin: germline. Affected: no.